The following is an entry in ClinVar:

ClinVar aggregate classification (germline): Uncertain significance (1 of 4 stars; one submission).

Conditions:
Neurohypophyseal diabetes insipidus. Also called: Hereditary arginine vasopressin deficiency; DIABETES INSIPIDUS, PRIMARY CENTRAL; Diabetes Insipidus, Neurogenic. Identifiers: Orphanet 178029, Orphanet 30925, MedGen C0342394, MONDO:0007450, OMIM 125700.

Submission:

Genetics Department, Catlab
Classification: Uncertain significance for Neurohypophyseal diabetes insipidus. Last evaluated: 2025-02-24. Review status: criteria provided, single submitter. Criteria: ACMG Guidelines, 2015. Collection method: clinical testing. Allele origin: germline. Affected: yes. Observed: 1 variant allele.
Comment: The c.259_267del variant in the AVP gene is a 9 base-pair deletion which alters the protein length without affecting the reading frame (PM4), and is not present in the gnomAD database (PM2). With all the available evidence, the variant is classified as of uncertain significance.

NM_000490.5(AVP):c.259_267del (p.Ser87_Gln89del)

Gene: AVP (arginine vasopressin; minus strand). Cytogenetic location: 20p13.
Variant type: Deletion.
Coding change: c.259_267del on transcript NM_000490.5 (MANE Select); coding-DNA positions 259 to 267, 9 bases deleted (TCCGGCCAG; older notation c.259_267delTCCGGCCAG).
Protein change: p.Ser87_Gln89del.
Molecular consequence: inframe deletion.
Genome position (GRCh38, 1-based): chr20:3,083,032-3,083,040, CTGGCCGGA deleted on the plus strand (TCCGGCCAG on the coding strand, the reverse complement: AVP is on the minus strand); deleting any 9 consecutive bases within chr20:3,083,032-3,083,045 gives the same sequence; the c. name uses the placement nearest the transcript's 3' end. VCF-style (leftmost placement, unchanged base first): chr20-3083031-TCTGGCCGGA-T. GRCh37 (hg19) VCF-style: chr20-3063677-TCTGGCCGGA-T.
Identifiers: ClinVar variation 3899867 (VCV003899867.1).
Genomic context (GRCh38, chr20:3,083,031, plus strand): 5'-GCGCACCGTCGTTGCAGCAAACGCCGAAGGCGGCGCAGCGGCCCCCGCTCCCGCACGCCT[TCTGGCCGGA>T]CTGGCAGGGCGACGGCAGGTAGTTCTCCTCCTGGCAGCGCAGCGCCTCAGCCGTGCCCAC-3'